The following is an entry in ClinVar:

ClinVar aggregate classification (germline): Uncertain significance (1 of 4 stars; one submission).

Submission:

Labcorp Genetics (formerly Invitae), Labcorp
Classification: Uncertain significance. Last evaluated: 2022-10-05. Review status: criteria provided, single submitter. Criteria: Invitae Variant Classification Sherloc (09022015). Collection method: clinical testing. Allele origin: germline.
Comment: This sequence change replaces alanine, which is neutral and non-polar, with glycine, which is neutral and non-polar, at codon 6 of the EMC1 protein (p.Ala6Gly). This variant is not present in population databases (gnomAD no frequency). This variant has not been reported in the literature in individuals affected with EMC1-related conditions. Algorithms developed to predict the effect of missense changes on protein structure and function output the following: SIFT: "Tolerated"; PolyPhen-2: "Benign"; Align-GVGD: "Class C0". The glycine amino acid residue is found in multiple mammalian species, which suggests that this missense change does not adversely affect protein function. In summary, the available evidence is currently insufficient to determine the role of this variant in disease. Therefore, it has been classified as a Variant of Uncertain Significance.

NM_015047.3(EMC1):c.17C>G (p.Ala6Gly)

Gene: EMC1 (ER membrane protein complex subunit 1; minus strand). Cytogenetic location: 1p36.13.
Variant type: single nucleotide variant.
Coding change: c.17C>G on transcript NM_015047.3 (MANE Select); coding-DNA position 17, C replaced by G.
Protein change: p.Ala6Gly; replaces alanine 6 with glycine.
Molecular consequence: missense variant.
Genome position (GRCh38, 1-based): chr1:19,251,493, G>C on the plus strand (C>G on the coding strand, the complement: EMC1 is on the minus strand). VCF-style: chr1-19251493-G-C. GRCh37 (hg19) VCF-style: chr1-19577987-G-C.
Other names: c.17C>G, p.Ala6Gly (NM_001271427.2, NM_001271428.2, NM_001271429.2 and 2 more transcripts); short protein forms A6G.
Identifiers: ClinVar variation 2126426 (VCV002126426.1), dbSNP rs761090306, ClinGen allele CA338776074.